The following is an entry in ClinVar:

NM_058172.6(ANTXR2):c.378+8A>C

Gene: ANTXR2 (ANTXR cell adhesion molecule 2; minus strand). Cytogenetic location: 4q21.21.
Variant type: single nucleotide variant.
Coding change: c.378+8A>C on transcript NM_058172.6 (MANE Select); 8 bases into the intron after coding-DNA position 378, A replaced by C.
Molecular consequence: intron variant.
Genome position (GRCh38, 1-based): chr4:80,055,924, T>G on the plus strand (A>C on the coding strand, the complement: ANTXR2 is on the minus strand). VCF-style: chr4-80055924-T-G. GRCh37 (hg19) VCF-style: chr4-80977078-T-G.
Other names: c.147+8A>C (NM_001286780.2, NM_001286781.2); c.378+8A>C (NM_001145794.2).
Identifiers: ClinVar variation 349882 (VCV000349882.12), dbSNP rs4594664, ClinGen allele CA2981973.
Genomic context (GRCh38, chr4:80,055,924, plus strand): 5'-GAGGGTTTTATTTCACCACAGAATAAGAAAGCATTCTCTCCCATATTTACAAATGTAAAA[T>G]AACTTACTAGCTTTAGTCCTTCATGGATATATGTCTCTCCTACTGGACTAACACGTTTTA-3'

ClinVar aggregate classification (germline): Benign/Likely benign. Review status: criteria provided, multiple submitters, no conflicts (2 of 4 stars). 6 submissions from 6 submitters: Benign (5); Likely benign (1). Last evaluated 2026-02-04.

Conditions:
Hyaline fibromatosis syndrome (HFS). Also called: Hyalinosis, Inherited Systemic; HYALINOSIS, SYSTEMIC. Identifiers: Orphanet 2028, Orphanet 498474, MedGen C5574677, MONDO:0009229, OMIM 228600.

Allele frequency attached by ClinVar (database versions not stated): ESP Exome Variant Server 0.58745; gnomAD 0.61456 and 0.62406; TOPMed 0.62130; 1000 Genomes Project 30x 0.69129; 1000 Genomes Project 0.69728.
gnomAD v4.1: 965,235 of 1,503,668 alleles (64%); highest among the groups gnomAD compares: East Asian, 95%; 314,730 homozygotes.

Submissions (6):

Labcorp Genetics (formerly Invitae), Labcorp
Classification: Benign. Last evaluated: 2026-02-04. Review status: criteria provided, single submitter. Criteria: Invitae Variant Classification Sherloc (09022015). Collection method: clinical testing. Allele origin: germline.

Blueprint Genetics
Classification: Likely benign. Last evaluated: 2024-11-26. Review status: criteria provided, single submitter. Criteria: ACMG Guidelines, 2015. Collection method: clinical testing. Allele origin: germline.

Genome-Nilou Lab
Classification: Benign for Hyaline fibromatosis syndrome. Last evaluated: 2021-07-14. Review status: criteria provided, single submitter. Criteria: ACMG Guidelines, 2015. Collection method: clinical testing. Allele origin: germline. Affected: no.

GeneDx
Classification: Benign. Last evaluated: 2018-11-10. Review status: criteria provided, single submitter. Criteria: GeneDx Variant Classification Process June 2021. Collection method: clinical testing. Allele origin: germline. Affected: yes.

Illumina Laboratory Services, Illumina
Classification: Benign for Hyaline fibromatosis syndrome. Last evaluated: 2018-01-12. Review status: criteria provided, single submitter. Criteria: ICSL Variant Classification Criteria 13 December 2019. Collection method: clinical testing. Allele origin: germline.
Comment: This variant was observed in the ICSL laboratory as part of a predisposition screen in an ostensibly healthy population. It had not been previously curated by ICSL or reported in the Human Gene Mutation Database (HGMD: prior to June 1st, 2018), and was therefore a candidate for classification through an automated scoring system. Utilizing variant allele frequency, disease prevalence and penetrance estimates, and inheritance mode, an automated score was calculated to assess if this variant is too frequent to cause the disease. Based on the score and internal cut-off values, a variant classified as benign is not then subjected to further curation. The score for this variant resulted in a classification of benign for this disease.

Breakthrough Genomics
Classification: Benign. Review status: criteria provided, single submitter. Criteria: ACMG Guidelines, 2015. Collection method: not provided. Allele origin: germline. Inheritance: Autosomal recessive inheritance. Affected: yes.